The following is an entry in ClinVar:

NM_000284.4(PDHA1):c.711_738dup (p.Asp247delinsSerGlnHisTer)

Gene: PDHA1 (pyruvate dehydrogenase E1 subunit alpha 1; plus strand). Cytogenetic location: Xp22.12.
Variant type: Duplication.
Coding change: c.711_738dup on transcript NM_000284.4 (MANE Select); coding-DNA positions 711 to 738, 28 bases duplicated (AGCCAGCACTGATTACTACAAGAGAGGC).
Protein change: p.Asp247delinsSerGlnHisTer.
Molecular consequence: nonsense.
Genome position (GRCh38, 1-based): chrX:19,355,456-19,355,483, AGCCAGCACTGATTACTACAAGAGAGGC duplicated; duplicating any 28 consecutive bases within chrX:19,355,453-19,355,483 gives the same sequence; the c. name uses the placement nearest the transcript's 3' end. VCF-style (leftmost placement, unchanged base first): chrX-19355452-C-CGGCAGCCAGCACTGATTACTACAAGAGA. GRCh37 (hg19) VCF-style: chrX-19373570-C-CGGCAGCCAGCACTGATTACTACAAGAGA.
Other names: c.825_852dup, p.Asp285delinsSerGlnHisTer (NM_001173454.2); c.732_759dup, p.Asp254delinsSerGlnHisTer (NM_001173455.2); c.618_645dup, p.Asp216delinsSerGlnHisTer (NM_001173456.2).
Identifiers: ClinVar variation 817680 (VCV000817680.1), dbSNP rs1602227631, ClinGen allele CA915950753.

ClinVar aggregate classification (germline): Pathogenic (1 of 4 stars; one submission).

Submission:

GeneDx
Classification: Pathogenic. Last evaluated: 2018-06-12. Review status: criteria provided, single submitter. Criteria: GeneDx Variant Classification (06012015). Collection method: clinical testing. Allele origin: germline. Affected: yes.
Comment: The c.711_738dup28 variant in the PDHA1 gene gene has not been reported previously as a pathogenic variant nor as a benign variant, to our knowledge. The c.711_738dup28 variant causes a frameshift starting with codon Aspartic Acid 247, changes this amino acid to a Serine residue, and creates a premature Stop codon at position 4 of the new reading frame, denoted p.Asp247SerfsX4. This variant is predicted to cause loss of normal protein function either through protein truncation or nonsense-mediated mRNA decay. The c.711_738dup28 variant is not observed in large population cohorts (Lek et al., 2016). We interpret c.711_738dup28 as a pathogenic variant.